The following is an entry in ClinVar:

NM_005559.4(LAMA1):c.8622del (p.Asp2874fs)

Gene: LAMA1 (laminin subunit alpha 1; minus strand). Cytogenetic location: 18p11.31.
Variant type: Deletion.
Coding change: c.8622del on transcript NM_005559.4 (MANE Select); coding-DNA position 8622, one base deleted (C; older notation c.8622delC).
Protein change: p.Asp2874fs; shifts the reading frame from aspartic acid 2874.
Molecular consequence: frameshift variant.
Genome position (GRCh38, 1-based): chr18:6,948,491, G deleted on the plus strand (C on the coding strand, the reverse complement: LAMA1 is on the minus strand). VCF-style (leftmost placement, unchanged base first): chr18-6948490-TG-T. GRCh37 (hg19) VCF-style: chr18-6948489-TG-T.
Other names: short protein forms D2874fs.
Identifiers: ClinVar variation 3068488 (VCV003068488.2), dbSNP rs2510814886, ClinGen allele CA2576449533.

ClinVar aggregate classification (germline): Likely pathogenic (1 of 4 stars; one submission).

Conditions:
Ataxia - intellectual disability - oculomotor apraxia - cerebellar cysts syndrome. Also called: Poretti-Boltshauser syndrome. Identifiers: Orphanet 370022, MedGen C4014821, MONDO:0014419, OMIM 615960.

Submission:

Institute of Human Genetics, University of Leipzig Medical Center
Classification: Likely pathogenic for Ataxia - intellectual disability - oculomotor apraxia - cerebellar cysts syndrome. Last evaluated: 2020-11-26. Review status: criteria provided, single submitter. Criteria: ACMG Guidelines, 2015. Collection method: clinical testing. Allele origin: unknown. Affected: yes.
Comment: Criteria applied: PVS1,PM2